The following is an entry in ClinVar:

NM_001130144.3(LTBP3):c.3680G>A (p.Arg1227His)

Gene: LTBP3 (latent transforming growth factor beta binding protein 3; minus strand). Cytogenetic location: 11q13.1.
Variant type: single nucleotide variant.
Coding change: c.3680G>A on transcript NM_001130144.3 (MANE Select); coding-DNA position 3680, G replaced by A.
Protein change: p.Arg1227His; replaces arginine 1227 with histidine.
Molecular consequence: missense variant.
Genome position (GRCh38, 1-based): chr11:65,539,408, C>T on the plus strand (G>A on the coding strand, the complement: LTBP3 is on the minus strand). VCF-style: chr11-65539408-C-T. GRCh37 (hg19) VCF-style: chr11-65306879-C-T.
Other names: c.3188G>A, p.Arg1063His (NM_001164266.1); c.3539G>A, p.Arg1180His (NM_021070.4); short protein forms R1180H, R1227H, R1063H.
Identifiers: ClinVar variation 1517137 (VCV001517137.8), dbSNP rs1855956308, ClinGen allele CA381266327.

ClinVar aggregate classification (germline): Uncertain significance. Review status: criteria provided, multiple submitters, no conflicts (2 of 4 stars). 2 submissions from 2 submitters: Uncertain significance (2). Last evaluated 2026-02-01.

Conditions:
Inborn genetic diseases. Identifiers: MedGen C0950123, MeSH D030342.
Brachyolmia-amelogenesis imperfecta syndrome. Also called: Tooth agenesis, selective, 6; Dental anomalies and short stature; PLATYSPONDYLY WITH AMELOGENESIS IMPERFECTA. Identifiers: Orphanet 2899, MedGen C1832594, MONDO:0011018, OMIM 601216. Disease mechanism: loss of function.

Allele frequency attached by ClinVar (database versions not stated): gnomAD exomes 0.00001; TOPMed 0.00001.
gnomAD v4.1: 15 of 1,549,640 alleles (0.00097%); highest among the groups gnomAD compares: Non-Finnish European, 0.0013%; no homozygotes.

Submissions (2):

Labcorp Genetics (formerly Invitae), Labcorp
Classification: Uncertain significance for Brachyolmia-amelogenesis imperfecta syndrome. Last evaluated: 2026-02-01. Review status: criteria provided, single submitter. Criteria: Invitae Variant Classification Sherloc (09022015). Collection method: clinical testing. Allele origin: germline.
Comment: This sequence change replaces arginine, which is basic and polar, with histidine, which is basic and polar, at codon 1227 of the LTBP3 protein (p.Arg1227His). This variant is not present in population databases (gnomAD no frequency). This variant has not been reported in the literature in individuals affected with LTBP3-related conditions. ClinVar contains an entry for this variant (Variation ID: 1517137). An algorithm developed to predict the effect of missense changes on protein structure and function (PolyPhen-2) suggests that this variant is likely to be tolerated. In summary, the available evidence is currently insufficient to determine the role of this variant in disease. Therefore, it has been classified as a Variant of Uncertain Significance.

Ambry Genetics
Classification: Uncertain significance for Inborn genetic diseases. Last evaluated: 2022-02-20. Review status: criteria provided, single submitter. Criteria: Ambry Variant Classification Scheme 2023. Collection method: clinical testing. Allele origin: germline.
Comment: The p.R1227H variant (also known as c.3680G>A), located in coding exon 27 of the LTBP3 gene, results from a G to A substitution at nucleotide position 3680. The arginine at codon 1227 is replaced by histidine, an amino acid with highly similar properties. This amino acid position is conserved. In addition, this alteration is predicted to be tolerated by in silico analysis. Since supporting evidence is limited at this time, the clinical significance of this alteration remains unclear.